The following is an entry in ClinVar:

NM_015512.5(DNAH1):c.4498A>G (p.Lys1500Glu)

Gene: DNAH1 (dynein axonemal heavy chain 1; plus strand). Cytogenetic location: 3p21.1.
Variant type: single nucleotide variant.
Coding change: c.4498A>G on transcript NM_015512.5 (MANE Select); coding-DNA position 4498, A replaced by G.
Protein change: p.Lys1500Glu; replaces lysine 1500 with glutamic acid.
Molecular consequence: missense variant.
Genome position (GRCh38, 1-based): chr3:52,360,006, A>G. VCF-style: chr3-52360006-A-G. GRCh37 (hg19) VCF-style: chr3-52394022-A-G.
Other names: short protein forms K1500E.
Identifiers: ClinVar variation 4790787 (VCV004790787.1).
Genomic context (GRCh38, chr3:52,360,006, plus strand): 5'-AAGCTGTCCCGCATGCAGCGGGCAGTGCTGTCAGCGCTAATCGTCATTGAGGTCCATGCC[A>G]AGGACGTGGTGAGCAAGCTAATCCAGGAGAACGTGGTCAGCGTGAATGACTTCCAGTGGA-3'
Protein context (NP_056327.4, residues 1490-1510): SALIVIEVHA[Lys1500Glu]DVVSKLIQEN

ClinVar aggregate classification (germline): Uncertain significance (1 of 4 stars; one submission).

Conditions:
Spermatogenic failure 18. Identifiers: MedGen C4539783, MONDO:0054615, OMIM 617576.
Ciliary dyskinesia, primary, 37 (CILD37). Also called: CILIARY DYSKINESIA, PRIMARY, 37, WITH OR WITHOUT SITUS INVERSUS. Identifiers: MedGen C4539798, MONDO:0033204, OMIM 617577.

Submission:

Labcorp Genetics (formerly Invitae), Labcorp
Classification: Uncertain significance for Ciliary dyskinesia, primary, 37; Spermatogenic failure 18. Last evaluated: 2025-09-20. Review status: criteria provided, single submitter. Criteria: Invitae Variant Classification Sherloc (09022015). Collection method: clinical testing. Allele origin: germline.
Comment: This sequence change replaces lysine, which is basic and polar, with glutamic acid, which is acidic and polar, at codon 1500 of the DNAH1 protein (p.Lys1500Glu). This variant is not present in population databases (gnomAD no frequency). This variant has not been reported in the literature in individuals affected with DNAH1-related conditions. Invitae Evidence Modeling of protein sequence and biophysical properties (such as structural, functional, and spatial information, amino acid conservation, physicochemical variation, residue mobility, and thermodynamic stability) indicates that this missense variant is expected to disrupt DNAH1 protein function with a positive predictive value of 80%. In summary, the available evidence is currently insufficient to determine the role of this variant in disease. Therefore, it has been classified as a Variant of Uncertain Significance.